The following is an entry in ClinVar:

NM_004006.3(DMD):c.4499C>A (p.Ser1500Ter)

Gene: DMD (dystrophin; minus strand). Cytogenetic location: Xp21.1.
Variant type: single nucleotide variant.
Coding change: c.4499C>A on transcript NM_004006.3 (MANE Select); coding-DNA position 4499, C replaced by A.
Protein change: p.Ser1500Ter; replaces serine 1500 with a stop codon.
Molecular consequence: nonsense.
Genome position (GRCh38, 1-based): chrX:32,389,520, G>T on the plus strand (C>A on the coding strand, the complement: DMD is on the minus strand). VCF-style: chrX-32389520-G-T. GRCh37 (hg19) VCF-style: chrX-32407637-G-T.
Other names: c.4475C>A, p.Ser1492Ter (NM_000109.4); c.4487C>A, p.Ser1496Ter (NM_004009.3); c.4130C>A, p.Ser1377Ter (NM_004010.3); c.476C>A, p.Ser159Ter (NM_004011.4); c.467C>A, p.Ser156Ter (NM_004012.4); short protein forms S1377*, S1492*, S1496*, S1500*, S156*, S159*.
Identifiers: ClinVar variation 1322524 (VCV001322524.9), dbSNP rs2147610804, ClinGen allele CA412662980.
Genomic context (GRCh38, chrX:32,389,520, plus strand): 5'-AGTCAAGGGGTACCTGCGTATTTGCCACCAGAAATACATACCACACAATGATTTAGCTGT[G>T]ACTGTACTACTTCCTGTTCCACACTCTTTGTTTCCAATGCAGGCAAGTGCATCTTCACTT-3'

ClinVar aggregate classification (germline): Pathogenic. Review status: criteria provided, multiple submitters, no conflicts (2 of 4 stars). 2 submissions from 2 submitters: Pathogenic (2). Last evaluated 2022-11-22.

Conditions:
Duchenne muscular dystrophy (DMD). Also called: MUSCULAR DYSTROPHY, PSEUDOHYPERTROPHIC PROGRESSIVE, DUCHENNE TYPE; Duchenne Muscular Dystrophy (DMD). Identifiers: Orphanet 98896, MedGen C0013264, MONDO:0010679, OMIM 310200.

Submissions (2):

Revvity Omics, Revvity
Classification: Pathogenic. Last evaluated: 2022-11-22. Review status: criteria provided, single submitter. Criteria: ACMG Guidelines, 2015. Collection method: clinical testing. Allele origin: germline.

Labcorp Genetics (formerly Invitae), Labcorp
Classification: Pathogenic for Duchenne muscular dystrophy. Last evaluated: 2022-02-27. Review status: criteria provided, single submitter. Criteria: Invitae Variant Classification Sherloc (09022015). Collection method: clinical testing. Allele origin: germline.
Comment: This sequence change creates a premature translational stop signal (p.Ser1500*) in the DMD gene. It is expected to result in an absent or disrupted protein product. Loss-of-function variants in DMD are known to be pathogenic (PMID: 16770791, 25007885). This variant is not present in population databases (gnomAD no frequency). This premature translational stop signal has been observed in individuals with Duchenne muscular dystrophy (PMID: 28503591; Invitae). ClinVar contains an entry for this variant (Variation ID: 1322524). Algorithms developed to predict the effect of sequence changes on RNA splicing suggest that this variant may create or strengthen a splice site. For these reasons, this variant has been classified as Pathogenic.

Literature cited by the submitters: PubMed 16770791 (cited by Labcorp Genetics (formerly Invitae), Labcorp); PubMed 25007885 (cited by Labcorp Genetics (formerly Invitae), Labcorp); PubMed 28503591 (cited by Labcorp Genetics (formerly Invitae), Labcorp).